The following is an entry in ClinVar:

NM_000814.6(GABRB3):c.454G>A (p.Gly152Arg)

Gene: GABRB3 (gamma-aminobutyric acid type A receptor subunit beta3; minus strand). Cytogenetic location: 15q12.
Variant type: single nucleotide variant.
Coding change: c.454G>A on transcript NM_000814.6 (MANE Select); coding-DNA position 454, G replaced by A.
Protein change: p.Gly152Arg; replaces glycine 152 with arginine.
Molecular consequence: missense variant. On other transcripts: non-coding transcript variant (1).
Genome position (GRCh38, 1-based): chr15:26,621,321, C>T on the plus strand (G>A on the coding strand, the complement: GABRB3 is on the minus strand). VCF-style: chr15-26621321-C-T. GRCh37 (hg19) VCF-style: chr15-26866468-C-T.
Other names: c.199G>A, p.Gly67Arg (NM_001191320.2, NM_001278631.2); c.241G>A, p.Gly81Arg (NM_001191321.3); c.454G>A, p.Gly152Arg (NM_021912.5); short protein forms G81R, G152R, G67R.
Identifiers: ClinVar variation 2944906 (VCV002944906.3), dbSNP rs2504328740, ClinGen allele CA391460585.

ClinVar aggregate classification (germline): Uncertain significance (1 of 4 stars; one submission).

Conditions:
Epilepsy, childhood absence, susceptibility to, 1. Also called: Epilepsy, childhood absence 1. Identifiers: Orphanet 64280, MedGen C1838604, MONDO:0020759, OMIM 600131.
Epilepsy, childhood absence, susceptibility to, 5. Identifiers: Orphanet 64280, MedGen C2677087, MONDO:0012843, OMIM 612269.

Submission:

Labcorp Genetics (formerly Invitae), Labcorp
Classification: Uncertain significance for Epilepsy, childhood absence, susceptibility to, 5; Epilepsy, childhood absence, susceptibility to, 1. Last evaluated: 2023-03-02. Review status: criteria provided, single submitter. Criteria: Invitae Variant Classification Sherloc (09022015). Collection method: clinical testing. Allele origin: germline.
Comment: This sequence change replaces glycine, which is neutral and non-polar, with arginine, which is basic and polar, at codon 152 of the GABRB3 protein (p.Gly152Arg). This variant is not present in population databases (gnomAD no frequency). This variant has not been reported in the literature in individuals affected with GABRB3-related conditions. Advanced modeling of protein sequence and biophysical properties (such as structural, functional, and spatial information, amino acid conservation, physicochemical variation, residue mobility, and thermodynamic stability) performed at Invitae indicates that this missense variant is expected to disrupt GABRB3 protein function. In summary, the available evidence is currently insufficient to determine the role of this variant in disease. Therefore, it has been classified as a Variant of Uncertain Significance.